The following is an entry in ClinVar:

ClinVar aggregate classification (germline): Likely benign. Review status: criteria provided, single submitter (1 of 4 stars). 2 submissions from 2 submitters: Likely benign (1). 1 of the submissions does not count toward it. Last evaluated 2022-10-13.

Conditions:
Bardet-Biedl syndrome (BBS). Identifiers: Orphanet 110, MedGen C0752166, MONDO:0015229.
BBS5-related disorder. Also called: BBS5-related condition.

Allele frequency attached by ClinVar (database versions not stated): gnomAD exomes below 0.00001; gnomAD 0.00001.
gnomAD v4.1: 7 of 1,613,938 alleles (0.00043%); highest among the groups gnomAD compares: Non-Finnish European, 0.00051%; no homozygotes.

Submissions (2):

Labcorp Genetics (formerly Invitae), Labcorp
Classification: Likely benign for Bardet-Biedl syndrome. Last evaluated: 2022-10-13. Review status: criteria provided, single submitter. Criteria: Invitae Variant Classification Sherloc (09022015). Collection method: clinical testing. Allele origin: germline.

PreventionGenetics, part of Exact Sciences
Classification: Likely benign for BBS5-related condition. Last evaluated: 2024-07-19. Review status: no assertion criteria provided. Collection method: clinical testing. Allele origin: germline. Not counted in ClinVar's aggregate classification.
Comment: This variant is classified as likely benign based on ACMG/AMP sequence variant interpretation guidelines (Richards et al. 2015 PMID: 25741868, with internal and published modifications).

NM_152384.3(BBS5):c.963G>A (p.Gly321=)

Gene: BBS5 (Bardet-Biedl syndrome 5; plus strand). Cytogenetic location: 2q31.1.
Variant type: single nucleotide variant.
Coding change: c.963G>A on transcript NM_152384.3 (MANE Select); coding-DNA position 963, G replaced by A.
Protein change: p.Gly321=; no amino-acid change (glycine 321 retained).
Molecular consequence: synonymous variant.
Genome position (GRCh38, 1-based): chr2:169,504,519, G>A. VCF-style: chr2-169504519-G-A. GRCh37 (hg19) VCF-style: chr2-170361029-G-A.
Other names: c.963G>A (NM_152384.2).
Identifiers: ClinVar variation 2141706 (VCV002141706.5), dbSNP rs1559126739, ClinGen allele CA429927698.
Genomic context (GRCh38, chr2:169,504,519, plus strand): 5'-TATCCTCCTGTCTCCCAAAAAGCAACAAGATCGTGAACCTGTATTTTCAGAAGAACTGGG[G>A]CTTGCAATAGAGAAATTGAAGGATGGATTCACCCTACAGGGACTTTGGGAAGTAATGAGT-3'
Protein context (NP_689597.1, residues 311-331): DREPVFSEEL[Gly321=]LAIEKLKDGF